The following is an entry in ClinVar:

ClinVar aggregate classification (germline): Likely benign (1 of 4 stars; one submission).

Allele frequency attached by ClinVar (database versions not stated): TOPMed 0.00045; ESP Exome Variant Server 0.00046; gnomAD 0.00062; gnomAD exomes 0.00089; ExAC 0.00132; 1000 Genomes Project 30x 0.00187; 1000 Genomes Project 0.00200.
gnomAD v4.1: 1,398 of 1,609,054 alleles (0.087%); highest among the groups gnomAD compares: South Asian, 0.72%; 12 homozygotes.

Submission:

CeGaT Center for Human Genetics Tuebingen
Classification: Likely benign. Last evaluated: 2023-01-01. Review status: criteria provided, single submitter. Criteria: CeGaT Center For Human Genetics Tuebingen Variant Classification Criteria Version 2. Collection method: clinical testing. Allele origin: germline. Affected: yes. Observed: 1 variant allele.
Comment: GOLGA3: BS2

NM_001389683.1(GOLGA3):c.1727A>G (p.Gln576Arg)

Gene: GOLGA3 (golgin A3; minus strand). Cytogenetic location: 12q24.33.
Variant type: single nucleotide variant.
Coding change: c.1727A>G on transcript NM_001389683.1 (MANE Select); coding-DNA position 1727, A replaced by G.
Protein change: p.Gln576Arg; replaces glutamine 576 with arginine.
Molecular consequence: missense variant.
Genome position (GRCh38, 1-based): chr12:132,801,840, T>C on the plus strand (A>G on the coding strand, the complement: GOLGA3 is on the minus strand). VCF-style: chr12-132801840-T-C. GRCh37 (hg19) VCF-style: chr12-133378426-T-C.
Other names: c.1454A>G, p.Gln485Arg (NM_001389689.1); c.1727A>G, p.Gln576Arg (NM_005895.4, NM_001172557.2, NM_001389684.1 and 1 more transcripts); c.1607A>G, p.Gln536Arg (NM_001389686.1, NM_001389687.1, NM_001389688.1); short protein forms Q485R, Q536R, Q576R.
Identifiers: ClinVar variation 2643659 (VCV002643659.24), dbSNP rs145557212, ClinGen allele CA6897189.